The following is an entry in ClinVar:

NM_020975.6(RET):c.3137C>A (p.Ala1046Asp)

Gene: RET (ret proto-oncogene; plus strand). Cytogenetic location: 10q11.21.
Variant type: single nucleotide variant.
Coding change: c.3137C>A on transcript NM_020975.6 (MANE Select); coding-DNA position 3137, C replaced by A.
Protein change: p.Ala1046Asp; replaces alanine 1046 with aspartic acid.
Molecular consequence: missense variant.
Genome position (GRCh38, 1-based): chr10:43,126,672, C>A. VCF-style: chr10-43126672-C-A. GRCh37 (hg19) VCF-style: chr10-43622120-C-A.
Other names: c.2411C>A, p.Ala804Asp (NM_001406776.1, NM_001406778.1, NM_001406775.1); c.2240C>A, p.Ala747Asp (NM_001406779.1, NM_001406780.1, NM_001406781.1 and 1 more transcripts); c.2111C>A, p.Ala704Asp (NM_001406783.1, NM_001406786.1); c.2147C>A, p.Ala716Asp (NM_001406784.1); c.2120C>A, p.Ala707Asp (NM_001406785.1); c.3137C>A, p.Ala1046Asp (NM_000323.2, NM_001406743.1, NM_001406744.1 and 2 more transcripts); c.2375C>A, p.Ala792Asp (NM_001355216.2); c.3008C>A, p.Ala1003Asp (NM_001406761.1, NM_001406762.1, NM_001406764.1); and 10 more; short protein forms A1046D, A792D, A611D, A651D, A914D, A563D, A716D, A900D.
Identifiers: ClinVar variation 997534 (VCV000997534.9), dbSNP rs945693739, ClinGen allele CA376558471.
Genomic context (GRCh38, chr10:43,126,672, plus strand): 5'-CCCTGATTTATGACGACGGCCTCTCAGAGGAGGAGACACCGCTGGTGGACTGTAATAATG[C>A]CCCCCTCCCTCGAGCCCTCCCTTCCACATGGATTGAAAACAAACTCTATGGTAGAATTTC-3'
Protein context (NP_066124.1, residues 1036-1056): EETPLVDCNN[Ala1046Asp]PLPRALPSTW

ClinVar aggregate classification (germline): Uncertain significance. Review status: criteria provided, multiple submitters, no conflicts (2 of 4 stars). 4 submissions from 3 submitters: Uncertain significance (4). Last evaluated 2024-09-21.

Conditions:
Multiple endocrine neoplasia, type 2 (MEN2). Identifiers: Orphanet 653, MedGen C4048306, MONDO:0019003. Disease mechanism: gain of function.
Hereditary cancer-predisposing syndrome. Also called: Hereditary Cancer Syndrome; Hereditary neoplastic syndrome; Tumor predisposition; Neoplastic Syndromes, Hereditary. Identifiers: Orphanet 140162, MedGen C0027672, MeSH D009386, MONDO:0015356.
Hirschsprung disease, susceptibility to, 1 (HSCR1). Also called: RET-Related Hirschsprung Disease. Identifiers: Orphanet 388, MedGen C3888239, MONDO:0007723, OMIM 142623.
Familial medullary thyroid carcinoma (MTC). Also called: Thyroid cancer, familial medullary; MTC, familial; Familial Medullary Thyroid Carcinoma (FMTC). Identifiers: Orphanet 653, Orphanet 99361, MedGen C1833921, MONDO:0007958, OMIM 155240.

gnomAD v4.1: 1 of 1,613,992 alleles (0.000062%); highest among the groups gnomAD compares: Non-Finnish European, 0.000085%; no homozygotes.

Submissions (4):

Ambry Genetics
Classification: Uncertain significance for Hereditary cancer-predisposing syndrome. Last evaluated: 2024-09-21. Review status: criteria provided, single submitter. Criteria: Ambry Variant Classification Scheme 2023. Collection method: clinical testing. Allele origin: germline.
Comment: The p.A1046D variant (also known as c.3137C>A), located in coding exon 19 of the RET gene, results from a C to A substitution at nucleotide position 3137. The alanine at codon 1046 is replaced by aspartic acid, an amino acid with dissimilar properties. This amino acid position is conserved. In addition, the in silico prediction for this alteration is inconclusive. Based on the available evidence, the clinical significance of this variant remains unclear.

Labcorp Genetics (formerly Invitae), Labcorp
Classification: Uncertain significance for Multiple endocrine neoplasia, type 2. Last evaluated: 2024-04-16. Review status: criteria provided, single submitter. Criteria: Invitae Variant Classification Sherloc (09022015). Collection method: clinical testing. Allele origin: germline.
Comment: This sequence change replaces alanine, which is neutral and non-polar, with aspartic acid, which is acidic and polar, at codon 1046 of the RET protein (p.Ala1046Asp). This variant is not present in population databases (gnomAD no frequency). This variant has not been reported in the literature in individuals affected with RET-related conditions. ClinVar contains an entry for this variant (Variation ID: 997534). An algorithm developed to predict the effect of missense changes on protein structure and function (PolyPhen-2) suggests that this variant is likely to be tolerated. In summary, the available evidence is currently insufficient to determine the role of this variant in disease. Therefore, it has been classified as a Variant of Uncertain Significance.

Baylor Genetics
Classification: Uncertain significance for Hirschsprung disease, susceptibility to, 1. Last evaluated: 2023-10-19. Review status: criteria provided, single submitter. Criteria: ACMG Guidelines, 2015. Collection method: clinical testing. Allele origin: unknown.

Baylor Genetics
Classification: Uncertain significance for Familial medullary thyroid carcinoma. Last evaluated: 2020-02-23. Review status: criteria provided, single submitter. Criteria: ACMG Guidelines, 2015. Collection method: clinical testing. Allele origin: paternal. Affected: yes. Study: CSER-TexasKidsCanSeq.
Comment: This variant was determined to be of uncertain significance according to ACMG Guidelines, 2015 [PMID:25741868].